The following is an entry in ClinVar:

ClinVar aggregate classification (germline): Uncertain significance (1 of 4 stars; one submission).

Conditions:
Cardiomyopathy (CMYO). Also called: Cardiomyopathies. Identifiers: Orphanet 167848, MedGen C0878544, MONDO:0004994, HP:0001638. Inheritance: Various modes of inheritance.

Submission:

Color Diagnostics, LLC DBA Color Health
Classification: Uncertain significance for Cardiomyopathy. Last evaluated: 2025-09-11. Review status: criteria provided, single submitter. Criteria: ACMG Guidelines, 2015. Collection method: clinical testing. Allele origin: germline.
Comment: This variant causes an A to G nucleotide substitution at the +4 position of intron 48 of the RYR2 gene. To our knowledge, functional studies have not been reported for this variant. This variant has not been reported in individuals affected with RYR2-related disorders in the literature. This variant has not been identified in the general population by the Genome Aggregation Database (gnomAD). The available evidence is insufficient to determine the role of this variant in disease conclusively. Therefore, this variant is classified as a Variant of Uncertain Significance.

NM_001035.3(RYR2):c.7342+4A>G

Gene: RYR2 (ryanodine receptor 2; plus strand). Cytogenetic location: 1q43.
Variant type: single nucleotide variant.
Coding change: c.7342+4A>G on transcript NM_001035.3 (MANE Select); 4 bases into the intron after coding-DNA position 7342, A replaced by G.
Molecular consequence: intron variant.
Genome position (GRCh38, 1-based): chr1:237,643,451, A>G. VCF-style: chr1-237643451-A-G. GRCh37 (hg19) VCF-style: chr1-237806751-A-G.
Identifiers: ClinVar variation 4756532 (VCV004756532.1).